The following is an entry in ClinVar:

NM_000465.4(BARD1):c.741T>C (p.Ser247=)

Gene: BARD1 (BRCA1 associated RING domain 1; minus strand). Cytogenetic location: 2q35.
Variant type: single nucleotide variant.
Coding change: c.741T>C on transcript NM_000465.4 (MANE Select); coding-DNA position 741, T replaced by C.
Protein change: p.Ser247=; no amino-acid change (serine 247 retained).
Molecular consequence: synonymous variant. On other transcripts: non-coding transcript variant (2), intron variant (3).
Genome position (GRCh38, 1-based): chr2:214,781,133, A>G on the plus strand (T>C on the coding strand, the complement: BARD1 is on the minus strand). VCF-style: chr2-214781133-A-G. GRCh37 (hg19) VCF-style: chr2-215645857-A-G.
Other names: c.684T>C, p.Ser228= (NM_001282543.2); c.158+28279T>C (NM_001282548.2); c.215+15928T>C (NM_001282545.2); c.364+11164T>C (NM_001282549.2).
Identifiers: ClinVar variation 3378952 (VCV003378952.1).

ClinVar aggregate classification (germline): Benign (1 of 4 stars; one submission).

Conditions:
Familial cancer of breast. Also called: hereditary breast carcinoma; Hereditary breast cancer; BREAST CANCER, FAMILIAL. Identifiers: Orphanet 227535, MedGen C0346153, MONDO:0016419, OMIM 114480. Disease mechanism: loss of function.

Submission:

Myriad Genetics, Inc.
Classification: Benign for Familial cancer of breast. Last evaluated: 2024-07-22. Review status: criteria provided, single submitter. Criteria: Myriad Autosomal Dominant, Autosomal Recessive and X-Linked Classification Criteria (2023). Collection method: clinical testing. Allele origin: unknown.
Comment: This variant is considered benign. This variant is a silent/synonymous amino acid change and it is not expected to impact splicing.